The following is an entry in ClinVar:

ClinVar aggregate classification (germline): Likely benign. Review status: criteria provided, multiple submitters, no conflicts (2 of 4 stars). 3 submissions from 3 submitters: Likely benign (2). 1 of the submissions does not count toward it. Last evaluated 2025-01-03.

Conditions:
CRB1-related disorder. Also called: CRB1-related disorders; CRB1-related condition.
Leber congenital amaurosis (LCA). Also called: Leber's amaurosis. Identifiers: Orphanet 65, MedGen C0339527, MeSH D057130, MONDO:0018998.
Retinitis pigmentosa 12 (RP12). Also called: RP WITH OR WITHOUT PRESERVED PARAARTERIOLE RETINAL PIGMENT EPITHELIUM; RETINITIS PIGMENTOSA WITH OR WITHOUT PARAARTERIOLAR PRESERVATION OF RETINAL PIGMENT EPITHELIUM; RP WITH OR WITHOUT PPRPE. Identifiers: Orphanet 791, MedGen C1838647, MONDO:0010818, OMIM 600105.
Leber congenital amaurosis 8 (LCA8). Identifiers: Orphanet 65, MedGen C3151202, MONDO:0013453, OMIM 613835.

Allele frequency attached by ClinVar (database versions not stated): gnomAD exomes below 0.00001 and 0.00001; ExAC 0.00002; TOPMed 0.00002; gnomAD 0.00004; 1000 Genomes Project 0.00020; 1000 Genomes Project 30x 0.00031.
gnomAD v4.1: 9 of 1,613,896 alleles (0.00056%); highest among the groups gnomAD compares: African/African-American, 0.011%; no homozygotes.

Submissions (3):

PreventionGenetics, part of Exact Sciences
Classification: Likely benign for CRB1-related condition. Last evaluated: 2025-01-03. Review status: criteria provided, single submitter. Criteria: ACMG Guidelines, 2015. Collection method: clinical testing. Allele origin: germline.
Comment: This variant is classified as likely benign based on ACMG/AMP sequence variant interpretation guidelines (Richards et al. 2015 PMID: 25741868, with internal and published modifications).

Labcorp Genetics (formerly Invitae), Labcorp
Classification: Likely benign for Leber congenital amaurosis 8; Retinitis pigmentosa 12. Last evaluated: 2024-10-23. Review status: criteria provided, single submitter. Criteria: Invitae Variant Classification Sherloc (09022015). Collection method: clinical testing. Allele origin: germline.

Natera, Inc.
Classification: Uncertain significance for Leber congenital amaurosis. Last evaluated: 2020-08-14. Review status: no assertion criteria provided. Collection method: clinical testing. Allele origin: germline. Not counted in ClinVar's aggregate classification.

NM_201253.3(CRB1):c.2403G>A (p.Lys801=)

Gene: CRB1 (crumbs cell polarity complex component 1; plus strand). Cytogenetic location: 1q31.3.
Variant type: single nucleotide variant.
Coding change: c.2403G>A on transcript NM_201253.3 (MANE Select); coding-DNA position 2403, G replaced by A.
Protein change: p.Lys801=; no amino-acid change (lysine 801 retained).
Molecular consequence: synonymous variant. On other transcripts: non-coding transcript variant (2), intron variant (1).
Genome position (GRCh38, 1-based): chr1:197,427,728, G>A. VCF-style: chr1-197427728-G-A. GRCh37 (hg19) VCF-style: chr1-197396858-G-A.
Other names: c.2067G>A, p.Lys689= (NM_001193640.2); c.2196G>A, p.Lys732= (NM_001257965.2); c.2128+5772G>A (NM_001257966.2); c.2403G>A (NM_201253.2).
Identifiers: ClinVar variation 989646 (VCV000989646.11), dbSNP rs568010290, ClinGen allele CA1312116.
Genomic context (GRCh38, chr1:197,427,728, plus strand): 5'-ATTAGTAGTAAAATTTGTTCTTAATGATGGAAATGTCCACTTGATATCTTTGAAAATCAA[G>A]CCATATAAAATTGAACTGTATCAGTCTTCACAAAACCTAGGATTTATTTCTGCTTCTACG-3'
Protein context (NP_957705.1, residues 791-811): GNVHLISLKI[Lys801=]PYKIELYQSS